The following is an entry in ClinVar:

NM_000540.3(RYR1):c.10664A>T (p.Asn3555Ile)

Gene: RYR1 (ryanodine receptor 1; plus strand). Cytogenetic location: 19q13.2.
Variant type: single nucleotide variant.
Coding change: c.10664A>T on transcript NM_000540.3 (MANE Select); coding-DNA position 10664, A replaced by T.
Protein change: p.Asn3555Ile; replaces asparagine 3555 with isoleucine.
Molecular consequence: missense variant.
Genome position (GRCh38, 1-based): chr19:38,527,030, A>T. VCF-style: chr19-38527030-A-T. GRCh37 (hg19) VCF-style: chr19-39017670-A-T.
Other names: c.10649A>T, p.Asn3550Ile (NM_001042723.2); short protein forms N3555I, N3550I.
Identifiers: ClinVar variation 224399 (VCV000224399.13), dbSNP rs199689862, ClinGen allele CA054335.
Genomic context (GRCh38, chr19:38,527,030, plus strand): 5'-CCAGCCTGGCTCTGTCTCCCCAGAAAGACACAGATGAGGAGGTCCGGGAATTTCTGCACA[A>T]CAACCTTCACCTTCAGGGAAAGGTATGCCTCCTTCCTCTGCAAGCAAAAGAAGCAAGTCA-3'
Protein context (NP_000531.2, residues 3545-3565): TDEEVREFLH[Asn3555Ile]NLHLQGKVEG

ClinVar aggregate classification (germline): Conflicting classifications of pathogenicity. Review status: criteria provided, conflicting classifications (1 of 4 stars). 7 submissions from 7 submitters: Uncertain significance (5); Likely benign (2). Last evaluated 2025-12-01.

Conditions:
RYR1-related disorder. Also called: RYR1-related disorders; RYR1-related condition. Identifiers: MedGen CN239331.
Malignant hyperthermia, susceptibility to, 1 (MHS1). Also called: Anesthesia related hyperthermia; Malignant hyperpyrexia; Fulminating hyperpyrexia; Pharmacogenic myopathy; RYR1-Related Malignant Hyperthermia Susceptibility; Malignant hyperthermia suceptibility 1. Identifiers: Orphanet 423, MedGen C2930980, MONDO:0007783, OMIM 145600.
Congenital multicore myopathy with external ophthalmoplegia (CMYO1B). Also called: Minicore myopathy with external ophthalmoplegia; MULTICORE MYOPATHY; Congenital myopathy 1B, autosomal recessive; Minicore myopathy; MULTIMINICORE DISEASE WITH EXTERNAL OPHTHALMOPLEGIA. Identifiers: Orphanet 598, Orphanet 98905, MedGen C1850674, MONDO:0009712, OMIM 255320, HP:0003789.
King Denborough syndrome (KDS). Identifiers: MedGen C1840365, MONDO:0020485, OMIM 619542.
Central core myopathy (CMYO1A). Also called: Central core disease; Myopathy, central fibrillar; CONGENITAL MYOPATHY 1A, AUTOSOMAL DOMINANT, WITH SUSCEPTIBILITY TO MALIGNANT HYPERTHERMIA. Identifiers: Orphanet 597, MedGen C5830701, MONDO:0007294, OMIM 117000.

Allele frequency attached by ClinVar (database versions not stated): gnomAD exomes 0.00005 and 0.00009; TOPMed 0.00006; 1000 Genomes Project 30x 0.00016; 1000 Genomes Project 0.00020.
gnomAD v4.1: 68 of 1,614,024 alleles (0.0042%); highest among the groups gnomAD compares: East Asian, 0.15%; no homozygotes.

Submissions (7):

Labcorp Genetics (formerly Invitae), Labcorp
Classification: Uncertain significance for RYR1-related disorder. Last evaluated: 2025-12-01. Review status: criteria provided, single submitter. Criteria: Invitae Variant Classification Sherloc (09022015). Collection method: clinical testing. Allele origin: germline.
Comment: This sequence change replaces asparagine, which is neutral and polar, with isoleucine, which is neutral and non-polar, at codon 3555 of the RYR1 protein (p.Asn3555Ile). This variant is present in population databases (rs199689862, gnomAD 0.1%). This variant has not been reported in the literature in individuals affected with RYR1-related conditions. ClinVar contains an entry for this variant (Variation ID: 224399). Invitae Evidence Modeling of protein sequence and biophysical properties (such as structural, functional, and spatial information, amino acid conservation, physicochemical variation, residue mobility, and thermodynamic stability) indicates that this missense variant is not expected to disrupt RYR1 protein function with a negative predictive value of 80%. In summary, the available evidence is currently insufficient to determine the role of this variant in disease. Therefore, it has been classified as a Variant of Uncertain Significance.

Revvity Omics, Revvity
Classification: Uncertain significance. Last evaluated: 2024-04-26. Review status: criteria provided, single submitter. Criteria: ACMG Guidelines, 2015. Collection method: clinical testing. Allele origin: germline.

All of Us Research Program, National Institutes of Health
Classification: Likely benign for Malignant hyperthermia, susceptibility to, 1. Last evaluated: 2023-11-20. Review status: criteria provided, single submitter. Criteria: ACMG Guidelines, 2015. Collection method: clinical testing. Allele origin: germline. Inheritance: Autosomal dominant inheritance. Observed: 5 variant alleles, 5 heterozygotes.
Comment: This missense variant replaces asparagine with isoleucine at codon 3555 of the RYR1 protein. Computational prediction suggests that this variant may have deleterious impact on protein structure and function (internally defined REVEL score threshold >= 0.7, PMID: 27666373). To our knowledge, functional studies have not been reported for this variant. This variant has not been reported in individuals affected with malignant hyperthermia in the literature. This variant has been identified in 23/282844 chromosomes in the general population by the Genome Aggregation Database (gnomAD). The available evidence is insufficient to determine the role of this variant in disease conclusively. Therefore, this variant is classified as a Variant of Uncertain Significance.

This study involves interpretation of variants in research participants for the purpose of population health screening. Participant phenotype was not available at the time of variant classification. Additional details can be found in publication PMID: 35346344, PMCID: PMC8962531

Color Diagnostics, LLC DBA Color Health
Classification: Likely benign for Malignant hyperthermia, susceptibility to, 1. Last evaluated: 2023-02-02. Review status: criteria provided, single submitter. Criteria: ACMG Guidelines, 2015. Collection method: clinical testing. Allele origin: germline.

Blueprint Genetics
Classification: Uncertain significance. Last evaluated: 2022-07-26. Review status: criteria provided, single submitter. Criteria: ACMG Guidelines, 2015. Collection method: clinical testing. Allele origin: germline.

Biesecker Lab/Clinical Genomics Section, National Institutes of Health
Classification: Uncertain significance for Malignant hyperthermia, susceptibility to, 1. Last evaluated: 2013-07-01. Review status: criteria provided, single submitter. Criteria: Gonsalves et al. 2013. Collection method: research. Allele origin: unknown. Observed: 1 variant allele. Study: ClinSeq.
Comment: The study set was not selected for affection status in relation to any myopathy. Pathogenicity categories were based on literature curation. See Pubmed ID: 24195946 for details.

Juno Genomics, Hangzhou Juno Genomics, Inc
Classification: Uncertain significance for Central core myopathy; Congenital multicore myopathy with external ophthalmoplegia; Malignant hyperthermia, susceptibility to, 1; King Denborough syndrome. Review status: criteria provided, single submitter. Criteria: ACMG Guidelines, 2015. Collection method: clinical testing. Allele origin: germline.
Comment: Absent from controls (or at extremely low frequency if recessive) in Genome Aggregation Database.;Missense variant in a gene that has a low rate of benign missense variation.;Multiple lines of computational evidence support a deleterious effect on the gene or gene product.